The following is an entry in ClinVar:

NM_000297.4(PKD2):c.1394A>G (p.Tyr465Cys)

Gene: PKD2 (polycystin 2, transient receptor potential cation channel; plus strand). Cytogenetic location: 4q22.1.
Variant type: single nucleotide variant.
Coding change: c.1394A>G on transcript NM_000297.4 (MANE Select); coding-DNA position 1394, A replaced by G.
Protein change: p.Tyr465Cys; replaces tyrosine 465 with cysteine.
Molecular consequence: missense variant. On other transcripts: non-coding transcript variant (1).
Genome position (GRCh38, 1-based): chr4:88,046,716, A>G. VCF-style: chr4-88046716-A-G. GRCh37 (hg19) VCF-style: chr4-88967868-A-G.
Other names: c.1394A>G (NM_000297.3); short protein forms Y465C.
Identifiers: ClinVar variation 1461086 (VCV001461086.8), dbSNP rs773998492, ClinGen allele CA3003940.

ClinVar aggregate classification (germline): Uncertain significance. Review status: criteria provided, multiple submitters, no conflicts (2 of 4 stars). 3 submissions from 3 submitters: Uncertain significance (3). Last evaluated 2024-03-13.

Conditions:
Polycystic kidney disease 2 (PKD2). Also called: POLYCYSTIC KIDNEY DISEASE, ADULT, TYPE II; Polycystic Kidney Disease 2, Autosomal Dominant; POLYCYSTIC KIDNEY DISEASE 2 WITH OR WITHOUT POLYCYSTIC LIVER DISEASE. Identifiers: MedGen C2751306, MONDO:0013131, OMIM 613095.
Autosomal dominant polycystic kidney disease. Identifiers: Orphanet 730, MedGen C0085413, MONDO:0004691.

Allele frequency attached by ClinVar (database versions not stated): gnomAD exomes 0.00001 and 0.00003; TOPMed 0.00001; ExAC 0.00002; gnomAD 0.00002.
gnomAD v4.1: 15 of 1,613,578 alleles (0.00093%); highest among the groups gnomAD compares: Middle Eastern, 0.016%; no homozygotes.

Submissions (3):

Fulgent Genetics
Classification: Uncertain significance for Polycystic kidney disease 2. Last evaluated: 2024-03-13. Review status: criteria provided, single submitter. Criteria: ACMG Guidelines, 2015. Collection method: clinical testing. Allele origin: germline.

GeneDx
Classification: Uncertain significance. Last evaluated: 2023-11-29. Review status: criteria provided, single submitter. Criteria: GeneDx Variant Classification Process June 2021. Collection method: clinical testing. Allele origin: germline.
Comment: In silico analysis supports that this missense variant has a deleterious effect on protein structure/function; Has not been previously published as pathogenic or benign to our knowledge

Labcorp Genetics (formerly Invitae), Labcorp
Classification: Uncertain significance for Autosomal dominant polycystic kidney disease. Last evaluated: 2023-10-13. Review status: criteria provided, single submitter. Criteria: Invitae Variant Classification Sherloc (09022015). Collection method: clinical testing. Allele origin: germline.
Comment: This sequence change replaces tyrosine, which is neutral and polar, with cysteine, which is neutral and slightly polar, at codon 465 of the PKD2 protein (p.Tyr465Cys). This variant is present in population databases (rs773998492, gnomAD 0.02%). This variant has not been reported in the literature in individuals affected with PKD2-related conditions. ClinVar contains an entry for this variant (Variation ID: 1461086). Advanced modeling of protein sequence and biophysical properties (such as structural, functional, and spatial information, amino acid conservation, physicochemical variation, residue mobility, and thermodynamic stability) performed at Invitae indicates that this missense variant is expected to disrupt PKD2 protein function. In summary, the available evidence is currently insufficient to determine the role of this variant in disease. Therefore, it has been classified as a Variant of Uncertain Significance.